The following is an entry in ClinVar:

NM_018896.5(CACNA1G):c.2937T>C (p.Ser979=)

Gene: CACNA1G (calcium voltage-gated channel subunit alpha1 G; plus strand). Cytogenetic location: 17q21.33.
Variant type: single nucleotide variant.
Coding change: c.2937T>C on transcript NM_018896.5 (MANE Select); coding-DNA position 2937, T replaced by C.
Protein change: p.Ser979=; no amino-acid change (serine 979 retained).
Molecular consequence: synonymous variant. On other transcripts: non-coding transcript variant (3), intron variant (8).
Genome position (GRCh38, 1-based): chr17:50,595,019, T>C. VCF-style: chr17-50595019-T-C. GRCh37 (hg19) VCF-style: chr17-48672380-T-C.
Other names: c.2937T>C, p.Ser979= (NM_001256324.2, NM_001256325.2, NM_001256326.2 and 16 more transcripts); c.2911-1543T>C (NM_198396.3, NM_198379.3, NM_198387.3 and 5 more transcripts).
Identifiers: ClinVar variation 1318683 (VCV001318683.2), dbSNP rs909077645, ClinGen allele CA291616272.

ClinVar aggregate classification (germline): Uncertain significance (1 of 4 stars; one submission).

Allele frequency attached by ClinVar (database versions not stated): gnomAD exomes below 0.00001 and 0.00001.
gnomAD v4.1: 1 of 1,554,278 alleles (0.000064%); highest among the groups gnomAD compares: Admixed American, 0.0019%; no homozygotes.

Submission:

GeneDx
Classification: Uncertain significance. Last evaluated: 2021-05-03. Review status: criteria provided, single submitter. Criteria: GeneDx Variant Classification Process June 2021. Collection method: clinical testing. Allele origin: germline. Affected: yes.
Comment: Not observed at a significant frequency in large population cohorts (Lek et al., 2016); In silico analysis supports that this variant does not alter splicing; Has not been previously published as pathogenic or benign to our knowledge